The following is an entry in ClinVar:

ClinVar aggregate classification (germline): Uncertain significance. Review status: criteria provided, multiple submitters, no conflicts (2 of 4 stars). 2 submissions from 2 submitters: Uncertain significance (2). Last evaluated 2025-06-20.

Conditions:
Adenylosuccinate lyase deficiency (ADSLD). Also called: ADSL DEFICIENCY. Identifiers: Orphanet 46, MedGen C0268126, MONDO:0007068, OMIM 103050.

Submissions (2):

Labcorp Genetics (formerly Invitae), Labcorp
Classification: Uncertain significance for Adenylosuccinate lyase deficiency. Last evaluated: 2025-06-20. Review status: criteria provided, single submitter. Criteria: Invitae Variant Classification Sherloc (09022015). Collection method: clinical testing. Allele origin: germline.
Comment: This sequence change replaces glycine, which is neutral and non-polar, with arginine, which is basic and polar, at codon 361 of the ADSL protein (p.Gly361Arg). This variant is not present in population databases (gnomAD no frequency). This variant has not been reported in the literature in individuals affected with ADSL-related conditions. ClinVar contains an entry for this variant (Variation ID: 2066395). Invitae Evidence Modeling of protein sequence and biophysical properties (such as structural, functional, and spatial information, amino acid conservation, physicochemical variation, residue mobility, and thermodynamic stability) indicates that this missense variant is not expected to disrupt ADSL protein function with a negative predictive value of 80%. In summary, the available evidence is currently insufficient to determine the role of this variant in disease. Therefore, it has been classified as a Variant of Uncertain Significance.

3billion
Classification: Uncertain significance for Adenylosuccinate lyase deficiency. Last evaluated: 2024-09-11. Review status: criteria provided, single submitter. Criteria: ACMG Guidelines, 2015. Collection method: clinical testing. Allele origin: germline. Affected: yes.
Comment: The variant is not observed in the gnomAD v4.0.0 dataset. Predicted Consequence/Location: Missense variant In silico tool predictions suggest damaging effect of the variant on gene or gene product [REVEL: 0.85 (>=0.6, sensitivity 0.68 and specificity 0.92); 3Cnet: 0.99 (>=0.6, sensitivity 0.72 and precision 0.9)]. The variant has been reported as of uncertain significance (ClinVar ID: VCV002066395). Therefore, this variant is classified as VUS according to the recommendation of ACMG/AMP guideline.

NM_000026.4(ADSL):c.1081G>A (p.Gly361Arg)

Gene: ADSL (adenylosuccinate lyase; plus strand). Cytogenetic location: 22q13.1.
Variant type: single nucleotide variant.
Coding change: c.1081G>A on transcript NM_000026.4 (MANE Select); coding-DNA position 1081, G replaced by A.
Protein change: p.Gly361Arg; replaces glycine 361 with arginine.
Molecular consequence: missense variant. On other transcripts: non-coding transcript variant (1).
Genome position (GRCh38, 1-based): chr22:40,363,051, G>A. VCF-style: chr22-40363051-G-A. GRCh37 (hg19) VCF-style: chr22-40759055-G-A.
Other names: c.1081G>A, p.Gly361Arg (NM_001123378.3, NM_001363840.3, NM_001410812.1 and 1 more transcripts); c.889G>A, p.Gly297Arg (NM_001317923.2); c.1036G>A, p.Gly346Arg (NM_001410814.1); short protein forms G297R, G346R, G361R.
Identifiers: ClinVar variation 2066395 (VCV002066395.5), dbSNP rs2518124797, ClinGen allele CA411646003.